The following is an entry in ClinVar:

NM_014920.5(CILK1):c.359G>A (p.Gly120Asp)

Gene: CILK1 (ciliogenesis associated kinase 1; minus strand). Cytogenetic location: 6p12.1.
Variant type: single nucleotide variant.
Coding change: c.359G>A on transcript NM_014920.5 (MANE Select); coding-DNA position 359, G replaced by A.
Protein change: p.Gly120Asp; replaces glycine 120 with aspartic acid.
Molecular consequence: missense variant. On other transcripts: non-coding transcript variant (1).
Genome position (GRCh38, 1-based): chr6:53,019,359, C>T on the plus strand (G>A on the coding strand, the complement: CILK1 is on the minus strand). VCF-style: chr6-53019359-C-T. GRCh37 (hg19) VCF-style: chr6-52884157-C-T.
Other names: c.359G>A, p.Gly120Asp (NM_001375397.1, NM_001375398.1, NM_001375399.1 and 4 more transcripts); short protein forms G120D.
Identifiers: ClinVar variation 1001903 (VCV001001903.7), dbSNP rs763926746, ClinGen allele CA3858808.

ClinVar aggregate classification (germline): Uncertain significance (1 of 4 stars; one submission).

Allele frequency attached by ClinVar (database versions not stated): gnomAD 0.00001; TOPMed 0.00002; ExAC 0.00003.
gnomAD v4.1: 39 of 1,613,830 alleles (0.0024%); highest among the groups gnomAD compares: Non-Finnish European, 0.000085%; no homozygotes.

Submission:

Labcorp Genetics (formerly Invitae), Labcorp
Classification: Uncertain significance. Last evaluated: 2022-01-01. Review status: criteria provided, single submitter. Criteria: Invitae Variant Classification Sherloc (09022015). Collection method: clinical testing. Allele origin: germline.
Comment: This sequence change replaces glycine, which is neutral and non-polar, with aspartic acid, which is acidic and polar, at codon 120 of the ICK protein (p.Gly120Asp). This variant is present in population databases (rs763926746, gnomAD 0.1%). This variant has not been reported in the literature in individuals affected with ICK-related conditions. ClinVar contains an entry for this variant (Variation ID: 1001903). Algorithms developed to predict the effect of missense changes on protein structure and function (SIFT, PolyPhen-2, Align-GVGD) all suggest that this variant is likely to be disruptive. In summary, the available evidence is currently insufficient to determine the role of this variant in disease. Therefore, it has been classified as a Variant of Uncertain Significance.